The following is an entry in ClinVar:

NM_000531.6(OTC):c.177dup (p.Ser60fs)

Gene: OTC (ornithine transcarbamylase; plus strand). Cytogenetic location: Xp11.4.
Variant type: Duplication.
Coding change: c.177dup on transcript NM_000531.6 (MANE Select); coding-DNA position 177, one base duplicated (A; older notation c.177dupA).
Protein change: p.Ser60fs; shifts the reading frame from serine 60.
Molecular consequence: frameshift variant.
Genome position (GRCh38, 1-based): chrX:38,367,390, A duplicated. VCF-style (leftmost placement, unchanged base first): chrX-38367389-T-TA. GRCh37 (hg19) VCF-style: chrX-38226642-T-TA.
Other names: short protein forms S60fs.
Identifiers: ClinVar variation 964262 (VCV000964262.8), dbSNP rs2068302240, ClinGen allele CA1139667388.
Genomic context (GRCh38, chrX:38,367,389, plus strand): 5'-GCCGTGACCTTCTCACTCTAAAAAACTTTACCGGAGAAGAAATTAAATATATGCTATGGC[T>TA]ATCAGCAGATCTGAAATTTAGGATAAAACAGAAAGGAGAGGTATGTAACATTTTCTTTTT-3'

ClinVar aggregate classification (germline): Pathogenic (1 of 4 stars; one submission).

Conditions:
Ornithine carbamoyltransferase deficiency (OTCD). Also called: Ornithine Carbamoyltransferase Deficiency Disease; OTC DEFICIENCY; ORNITHINE TRANSCARBAMYLASE DEFICIENCY; ORNITHINE TRANSCARBAMYLASE DEFICIENCY, HYPERAMMONEMIA DUE TO. Identifiers: Orphanet 664, MedGen C0268542, MONDO:0010703, OMIM 311250.

Submission:

Labcorp Genetics (formerly Invitae), Labcorp
Classification: Pathogenic for Ornithine carbamoyltransferase deficiency. Last evaluated: 2019-11-06. Review status: criteria provided, single submitter. Criteria: Invitae Variant Classification Sherloc (09022015). Collection method: clinical testing. Allele origin: germline.
Comment: This sequence change creates a premature translational stop signal (p.Ser60Ilefs*7) in the OTC gene. It is expected to result in an absent or disrupted protein product. This variant is not present in population databases (ExAC no frequency). This variant has not been reported in the literature in individuals with OTC-related conditions. Loss-of-function variants in OTC are known to be pathogenic (PMID: 10946359, 16786505). For these reasons, this variant has been classified as Pathogenic.

Literature cited by the submitters: PubMed 10946359; PubMed 16786505.